The following is an entry in ClinVar:

NM_004991.4(MECOM):c.2264C>T (p.Thr755Ile)

Gene: MECOM (MDS1 and EVI1 complex locus; minus strand). Cytogenetic location: 3q26.2.
Variant type: single nucleotide variant.
Coding change: c.2264C>T on transcript NM_004991.4 (MANE Select); coding-DNA position 2264, C replaced by T.
Protein change: p.Thr755Ile; replaces threonine 755 with isoleucine.
Molecular consequence: missense variant.
Genome position (GRCh38, 1-based): chr3:169,115,608, G>A on the plus strand (C>T on the coding strand, the complement: MECOM is on the minus strand). VCF-style: chr3-169115608-G-A. GRCh37 (hg19) VCF-style: chr3-168833396-G-A.
Other names: c.1895C>T, p.Thr632Ile (NM_001105077.4); c.1700C>T, p.Thr567Ile (NM_001105078.4, NM_001164000.2, NM_001205194.2 and 4 more transcripts); c.1703C>T, p.Thr568Ile (NM_001163999.2, NM_001366467.2, NM_001366468.2 and 1 more transcripts); c.2264C>T, p.Thr755Ile (NM_001366466.2); c.1292C>T, p.Thr431Ile (NM_001366473.2); c.728C>T, p.Thr243Ile (NM_001366474.2); short protein forms T567I, T632I, T755I, T243I, T431I, T568I.
Identifiers: ClinVar variation 3871729 (VCV003871729.2).

ClinVar aggregate classification (germline): Uncertain significance. Review status: criteria provided, multiple submitters, no conflicts (2 of 4 stars). 2 submissions from 2 submitters: Uncertain significance (2). Last evaluated 2025-11-27.

Conditions:
Inborn genetic diseases. Identifiers: MedGen C0950123, MeSH D030342.

gnomAD v4.1: 11 of 1,614,026 alleles (0.00068%); highest among the groups gnomAD compares: Non-Finnish European, 0.00093%; no homozygotes.

Submissions (2):

Labcorp Genetics (formerly Invitae), Labcorp
Classification: Uncertain significance. Last evaluated: 2025-11-27. Review status: criteria provided, single submitter. Criteria: Invitae Variant Classification Sherloc (09022015). Collection method: clinical testing. Allele origin: germline.
Comment: This sequence change replaces threonine, which is neutral and polar, with isoleucine, which is neutral and non-polar, at codon 567 of the MECOM protein (p.Thr567Ile). This variant is present in population databases (rs750702658, gnomAD 0.003%). This variant has not been reported in the literature in individuals affected with MECOM-related conditions. ClinVar contains an entry for this variant (Variation ID: 3871729). An algorithm developed to predict the effect of missense changes on protein structure and function (PolyPhen-2) suggests that this variant is likely to be tolerated. In summary, the available evidence is currently insufficient to determine the role of this variant in disease. Therefore, it has been classified as a Variant of Uncertain Significance.

Ambry Genetics
Classification: Uncertain significance for Inborn genetic diseases. Last evaluated: 2025-01-19. Review status: criteria provided, single submitter. Criteria: Ambry Variant Classification Scheme 2023. Collection method: clinical testing. Allele origin: germline.
Comment: The p.T755I variant (also known as c.2264C>T), located in coding exon 8 of the MECOM gene, results from a C to T substitution at nucleotide position 2264. The threonine at codon 755 is replaced by isoleucine, an amino acid with similar properties. This amino acid position is conserved. In addition, this alteration is predicted to be tolerated by in silico analysis. Based on the available evidence, the clinical significance of this variant remains unclear.